The following is an entry in ClinVar:

NM_001127644.2(GABRA1):c.786_787delinsTG (p.Met263Val)

Gene: GABRA1 (gamma-aminobutyric acid type A receptor subunit alpha1; plus strand). Cytogenetic location: 5q34.
Variant type: Indel.
Coding change: c.786_787delinsTG on transcript NM_001127644.2 (MANE Select); coding-DNA positions 786 to 787, AA replaced by TG.
Protein change: p.Met263Val; replaces methionine 263 with valine.
Molecular consequence: missense variant.
Genome position (GRCh38, 1-based): chr5:161,890,980-161,890,981, AA replaced by TG. VCF-style: chr5-161890980-AA-TG. GRCh37 (hg19) VCF-style: chr5-161317986-AA-TG.
Other names: c.786_787delAAinsTG (NM_000806.5); c.786_787delinsTG, p.Met263Val (NM_000806.5, NM_001127643.2, NM_001127645.2 and 1 more transcripts); short protein forms M263V.
Identifiers: ClinVar variation 4871618 (VCV004871618.1).

ClinVar aggregate classification (germline): Pathogenic (1 of 4 stars; one submission).

Conditions:
Inborn genetic diseases. Identifiers: MedGen C0950123, MeSH D030342.

Submission:

Ambry Genetics
Classification: Pathogenic for Inborn genetic diseases. Last evaluated: 2026-04-15. Review status: criteria provided, single submitter. Criteria: Ambry Variant Classification Scheme 2023. Collection method: clinical testing. Allele origin: germline.
Comment: The c.786_787delAAinsTG (p.M263V) alteration, located in exon 9 (coding exon 7) of the GABRA1 gene, consists of an in-frame deletion of AA and insertion of TG at nucleotide positions 786 to 787. This results in a substitution of the methionine (M) residue for a valine (V) residue at codon 263. This variant was not reported in population-based cohorts in the Genome Aggregation Database (gnomAD). This variant was reported in individual(s) with features consistent with GABRA1-related epilepsy; in at least one individual, it was determined to be de novo (Cavirani, 2024). Other variant(s) at the same codon, c.789G>A (p.M263I), c.788T>C (p.M263T), have been identified in individual(s) with features consistent with GABRA1-related epilepsy (Kodera, 2016; Farnaes, 2017). This amino acid position is highly conserved in available vertebrate species. This missense variant is located in a region that has a low rate of benign missense variation (Lek, 2016; Firth, 2009). This alteration is predicted to be deleterious by in silico analysis. Based on the available evidence, this alteration is classified as pathogenic.

Literature cited by the submitters: PubMed 26918889; PubMed 28864462; PubMed 38279250.